The following is an entry in ClinVar:

NM_001134363.3(RBM20):c.1900C>A (p.Arg634=)

Gene: RBM20 (RNA binding motif protein 20; plus strand). Cytogenetic location: 10q25.2.
Variant type: single nucleotide variant.
Coding change: c.1900C>A on transcript NM_001134363.3 (MANE Select); coding-DNA position 1900, C replaced by A.
Protein change: p.Arg634=; no amino-acid change (arginine 634 retained).
Molecular consequence: synonymous variant.
Genome position (GRCh38, 1-based): chr10:110,812,297, C>A. VCF-style: chr10-110812297-C-A. GRCh37 (hg19) VCF-style: chr10-112572055-C-A.
Other names: p.Arg634=.
Identifiers: ClinVar variation 1586809 (VCV001586809.13), dbSNP rs796734066, ClinGen allele CA471368036.
Genomic context (GRCh38, chr10:110,812,297, plus strand): 5'-GGTGTGAAGATTCTAAATCCTGCTCCTTGGCTCCCTCACAGATATGGCCCAGAAAGGCCG[C>A]GGTCTCGTAGTCCGGTGAGCCGGTCACTCTCCCCGAGGTCCCACACTCCCAGCTTCACCT-3'
Protein context (NP_001127835.2, residues 624-644): EADRYGPERP[Arg634=]SRSPVSRSLS

ClinVar aggregate classification (germline): Likely benign. Review status: criteria provided, multiple submitters, no conflicts (2 of 4 stars). 4 submissions from 4 submitters: Likely benign (4). Last evaluated 2025-12-22.

Conditions:
Dilated cardiomyopathy 1DD (CMD1DD). Identifiers: Orphanet 154, MedGen C2750995, MONDO:0013168, OMIM 613172.
Cardiovascular phenotype. Identifiers: MedGen CN230736.

Allele frequency attached by ClinVar (database versions not stated): gnomAD exomes below 0.00001.
gnomAD v4.1: 2 of 1,547,250 alleles (0.00013%); highest among the groups gnomAD compares: Non-Finnish European, 0.00017%; no homozygotes.

Submissions (4):

Labcorp Genetics (formerly Invitae), Labcorp
Classification: Likely benign for Dilated cardiomyopathy 1DD. Last evaluated: 2025-12-22. Review status: criteria provided, single submitter. Criteria: Invitae Variant Classification Sherloc (09022015). Collection method: clinical testing. Allele origin: germline.

Mayo Clinic Laboratories, Mayo Clinic
Classification: Likely benign. Last evaluated: 2025-02-28. Review status: criteria provided, single submitter. Criteria: ACMG Guidelines, 2015. Collection method: clinical testing. Allele origin: germline. Observed: 1 variant allele.
Comment: BP4, BP7

Women's Health and Genetics/Laboratory Corporation of America, LabCorp
Classification: Likely benign. Last evaluated: 2023-11-14. Review status: criteria provided, single submitter. Criteria: LabCorp Variant Classification Summary - May 2015. Collection method: clinical testing. Allele origin: germline.

Ambry Genetics
Classification: Likely benign for Cardiovascular phenotype. Last evaluated: 2021-01-05. Review status: criteria provided, single submitter. Criteria: Ambry Variant Classification Scheme 2023. Collection method: clinical testing. Allele origin: germline.